The following is an entry in ClinVar:

NM_001005498.4(RHBDF2):c.676C>T (p.Arg226Cys)

Gene: RHBDF2 (rhomboid 5 homolog 2; minus strand). Cytogenetic location: 17q25.1.
Variant type: single nucleotide variant.
Coding change: c.676C>T on transcript NM_001005498.4 (MANE Select); coding-DNA position 676, C replaced by T.
Protein change: p.Arg226Cys; replaces arginine 226 with cysteine.
Molecular consequence: missense variant. On other transcripts: non-coding transcript variant (3).
Genome position (GRCh38, 1-based): chr17:76,477,782, G>A on the plus strand (C>T on the coding strand, the complement: RHBDF2 is on the minus strand). VCF-style: chr17-76477782-G-A. GRCh37 (hg19) VCF-style: chr17-74473864-G-A.
Other names: c.676C>T, p.Arg226Cys (NM_001376228.1, NM_001376229.1, NM_001376230.1); c.763C>T, p.Arg255Cys (NM_024599.5); short protein forms R226C, R255C.
Identifiers: ClinVar variation 4629159 (VCV004629159.2).

ClinVar aggregate classification (germline): Uncertain significance. Review status: criteria provided, multiple submitters, no conflicts (2 of 4 stars). 2 submissions from 2 submitters: Uncertain significance (2). Last evaluated 2025-11-11.

Conditions:
Inborn genetic diseases. Identifiers: MedGen C0950123, MeSH D030342.

Submissions (2):

Ambry Genetics
Classification: Uncertain significance for Inborn genetic diseases. Last evaluated: 2025-11-11. Review status: criteria provided, single submitter. Criteria: Ambry Variant Classification Scheme 2023. Collection method: clinical testing. Allele origin: germline.

Labcorp Genetics (formerly Invitae), Labcorp
Classification: Uncertain significance. Last evaluated: 2025-08-29. Review status: criteria provided, single submitter. Criteria: Invitae Variant Classification Sherloc (09022015). Collection method: clinical testing. Allele origin: germline.
Comment: This sequence change replaces arginine, which is basic and polar, with cysteine, which is neutral and slightly polar, at codon 255 of the RHBDF2 protein (p.Arg255Cys). This variant is present in population databases (rs759211203, gnomAD 0.008%). This variant has not been reported in the literature in individuals affected with RHBDF2-related conditions. An algorithm developed to predict the effect of missense changes on protein structure and function (PolyPhen-2) suggests that this variant is likely to be disruptive. In summary, the available evidence is currently insufficient to determine the role of this variant in disease. Therefore, it has been classified as a Variant of Uncertain Significance.